The following is an entry in ClinVar:

ClinVar aggregate classification (germline): Uncertain significance. Review status: criteria provided, multiple submitters, no conflicts (2 of 4 stars). 2 submissions from 2 submitters: Uncertain significance (2). Last evaluated 2025-10-28.

Conditions:
Epidermolysis bullosa simplex 5B, with muscular dystrophy (EBS5B). Also called: Epidermolysis bullosa simplex with muscular dystrophy; EPIDERMOLYSIS BULLOSA SIMPLEX AND LIMB-GIRDLE MUSCULAR DYSTROPHY. Identifiers: Orphanet 257, MedGen C2931072, MONDO:0009181, OMIM 226670.
Autosomal recessive limb-girdle muscular dystrophy type 2Q (LGMDR17). Also called: MUSCULAR DYSTROPHY, LIMB-GIRDLE, AUTOSOMAL RECESSIVE 17. Identifiers: Orphanet 254361, MedGen C3150989, MONDO:0013390, OMIM 613723.
Epidermolysis bullosa simplex, Ogna type (EBS5A). Also called: Pidermolysis bullosa simplex 5A, Ogna type; EPIDERMOLYSIS BULLOSA SIMPLEX 5A, OGNA TYPE. Identifiers: Orphanet 79401, MedGen C0432317, MONDO:0007555, OMIM 131950.
Epidermolysis bullosa simplex 5C, with pyloric atresia (EBS5C). Also called: PLEC-Related Epidermolysis Bullosa with Pyloric Atresia; Epidermolysis bullosa simplex with pyloric atresia; PLEC1-Related Epidermolysis Bullosa with Pyloric Atresia. Identifiers: Orphanet 158684, MedGen C2677349, MONDO:0012807, OMIM 612138.
Epidermolysis bullosa simplex with nail dystrophy (EBS5D). Identifiers: MedGen C4225309, MONDO:0014661, OMIM 616487.
Inborn genetic diseases. Identifiers: MedGen C0950123, MeSH D030342.

Submissions (2):

Ambry Genetics
Classification: Uncertain significance for Inborn genetic diseases. Last evaluated: 2025-10-28. Review status: criteria provided, single submitter. Criteria: Ambry Variant Classification Scheme 2023. Collection method: clinical testing. Allele origin: germline.

Labcorp Genetics (formerly Invitae), Labcorp
Classification: Uncertain significance for Autosomal recessive limb-girdle muscular dystrophy type 2Q; Epidermolysis bullosa simplex, Ogna type; Epidermolysis bullosa simplex with nail dystrophy; Epidermolysis bullosa simplex 5C, with pyloric atresia; Epidermolysis bullosa simplex 5B, with muscular dystrophy. Last evaluated: 2025-03-11. Review status: criteria provided, single submitter. Criteria: Invitae Variant Classification Sherloc (09022015). Collection method: clinical testing. Allele origin: germline.
Comment: This sequence change replaces glycine, which is neutral and non-polar, with serine, which is neutral and polar, at codon 4385 of the PLEC protein (p.Gly4385Ser). This variant is present in population databases (rs782040669, gnomAD 0.01%). This variant has not been reported in the literature in individuals affected with PLEC-related conditions. Invitae Evidence Modeling of protein sequence and biophysical properties (such as structural, functional, and spatial information, amino acid conservation, physicochemical variation, residue mobility, and thermodynamic stability) indicates that this missense variant is not expected to disrupt PLEC protein function with a negative predictive value of 80%. In summary, the available evidence is currently insufficient to determine the role of this variant in disease. Therefore, it has been classified as a Variant of Uncertain Significance.

NM_201384.3(PLEC):c.13072G>A (p.Gly4358Ser)

Gene: PLEC (plectin; minus strand). Cytogenetic location: 8q24.3.
Variant type: single nucleotide variant.
Coding change: c.13072G>A on transcript NM_201384.3 (MANE Select); coding-DNA position 13072, G replaced by A.
Protein change: p.Gly4358Ser; replaces glycine 4358 with serine.
Molecular consequence: missense variant.
Genome position (GRCh38, 1-based): chr8:143,916,749, C>T on the plus strand (G>A on the coding strand, the complement: PLEC is on the minus strand). VCF-style: chr8-143916749-C-T. GRCh37 (hg19) VCF-style: chr8-144990917-C-T.
Other names: c.13483G>A, p.Gly4495Ser (NM_201380.4); c.12976G>A, p.Gly4326Ser (NM_201381.3); c.13072G>A, p.Gly4358Ser (NM_201382.4); c.13084G>A, p.Gly4362Ser (NM_201383.3); c.13153G>A, p.Gly4385Ser (NM_000445.5); c.9772G>A, p.Gly3258Ser (NM_001410941.1); c.13030G>A, p.Gly4344Ser (NM_201378.4); c.13006G>A, p.Gly4336Ser (NM_201379.3); short protein forms G4326S, G4358S, G4362S, G4385S, G4495S, G3258S, G4336S, G4344S.
Identifiers: ClinVar variation 4627955 (VCV004627955.2).